The following is an entry in ClinVar:

ClinVar aggregate classification (germline): Uncertain significance. Review status: criteria provided, multiple submitters, no conflicts (2 of 4 stars). 2 submissions from 2 submitters: Uncertain significance (2). Last evaluated 2024-10-22.

Conditions:
Hypertrophic cardiomyopathy 14. Identifiers: MedGen C2750467, MONDO:0013197, OMIM 613251.
Cardiovascular phenotype. Identifiers: MedGen CN230736.

Allele frequency attached by ClinVar (database versions not stated): gnomAD exomes below 0.00001.
gnomAD v4.1: 3 of 1,614,152 alleles (0.00019%); highest among the groups gnomAD compares: Admixed American, 0.0017%; no homozygotes.

Submissions (2):

Labcorp Genetics (formerly Invitae), Labcorp
Classification: Uncertain significance for Hypertrophic cardiomyopathy 14. Last evaluated: 2024-10-22. Review status: criteria provided, single submitter. Criteria: Invitae Variant Classification Sherloc (09022015). Collection method: clinical testing. Allele origin: germline.
Comment: This sequence change replaces isoleucine, which is neutral and non-polar, with threonine, which is neutral and polar, at codon 801 of the MYH6 protein (p.Ile801Thr). This variant is present in population databases (no rsID available, gnomAD 0.003%). This variant has not been reported in the literature in individuals affected with MYH6-related conditions. ClinVar contains an entry for this variant (Variation ID: 1460668). Invitae Evidence Modeling of protein sequence and biophysical properties (such as structural, functional, and spatial information, amino acid conservation, physicochemical variation, residue mobility, and thermodynamic stability) indicates that this missense variant is not expected to disrupt MYH6 protein function with a negative predictive value of 80%. In summary, the available evidence is currently insufficient to determine the role of this variant in disease. Therefore, it has been classified as a Variant of Uncertain Significance.

Ambry Genetics
Classification: Uncertain significance for Cardiovascular phenotype. Last evaluated: 2023-01-12. Review status: criteria provided, single submitter. Criteria: Ambry Variant Classification Scheme 2023. Collection method: clinical testing. Allele origin: germline.
Comment: The p.I801T variant (also known as c.2402T>C), located in coding exon 18 of the MYH6 gene, results from a T to C substitution at nucleotide position 2402. The isoleucine at codon 801 is replaced by threonine, an amino acid with similar properties. This amino acid position is conserved. In addition, this alteration is predicted to be tolerated by in silico analysis. Since supporting evidence is limited at this time, the clinical significance of this alteration remains unclear.

NM_002471.4(MYH6):c.2402T>C (p.Ile801Thr)

Gene: MYH6 (myosin heavy chain 6; minus strand). Cytogenetic location: 14q11.2.
Variant type: single nucleotide variant.
Coding change: c.2402T>C on transcript NM_002471.4 (MANE Select); coding-DNA position 2402, T replaced by C.
Protein change: p.Ile801Thr; replaces isoleucine 801 with threonine.
Molecular consequence: missense variant.
Genome position (GRCh38, 1-based): chr14:23,396,311, A>G on the plus strand (T>C on the coding strand, the complement: MYH6 is on the minus strand). VCF-style: chr14-23396311-A-G. GRCh37 (hg19) VCF-style: chr14-23865520-A-G.
Other names: c.2402T>C (NM_002471.3); short protein forms I801T.
Identifiers: ClinVar variation 1460668 (VCV001460668.9), dbSNP rs1447782770, ClinGen allele CA389016122.